The following is an entry in ClinVar:

NM_004064.5(CDKN1B):c.370A>C (p.Asn124His)

Gene: CDKN1B (cyclin dependent kinase inhibitor 1B; plus strand). Cytogenetic location: 12p13.1.
Variant type: single nucleotide variant.
Coding change: c.370A>C on transcript NM_004064.5 (MANE Select); coding-DNA position 370, A replaced by C.
Protein change: p.Asn124His; replaces asparagine 124 with histidine.
Molecular consequence: missense variant.
Genome position (GRCh38, 1-based): chr12:12,718,209, A>C. VCF-style: chr12-12718209-A-C. GRCh37 (hg19) VCF-style: chr12-12871143-A-C.
Other names: c.370A>C (NM_004064.3); short protein forms N124H.
Identifiers: ClinVar variation 1017700 (VCV001017700.9), dbSNP rs1946496907, ClinGen allele CA383970464.
Genomic context (GRCh38, chr12:12,718,209, plus strand): 5'-CAGGAGAGCCAGGATGTCAGCGGGAGCCGCCCGGCGGCGCCTTTAATTGGGGCTCCGGCT[A>C]ACTCTGAGGACACGCATTTGGTGGACCCAAAGACTGATCCGTCGGACAGCCAGACGGGGT-3'
Protein context (NP_004055.1, residues 114-134): PAAPLIGAPA[Asn124His]SEDTHLVDPK

ClinVar aggregate classification (germline): Uncertain significance. Review status: criteria provided, multiple submitters, no conflicts (2 of 4 stars). 2 submissions from 2 submitters: Uncertain significance (2). Last evaluated 2026-06-24.

Conditions:
Hereditary cancer-predisposing syndrome. Also called: Tumor predisposition; Hereditary Cancer Syndrome; Hereditary neoplastic syndrome; Neoplastic Syndromes, Hereditary. Identifiers: Orphanet 140162, MedGen C0027672, MeSH D009386, MONDO:0015356.
Multiple endocrine neoplasia type 4. Also called: MULTIPLE ENDOCRINE NEOPLASIA, TYPE IV. Identifiers: Orphanet 276152, MedGen C1970712, MONDO:0012552, OMIM 610755.

Submissions (2):

Ambry Genetics
Classification: Uncertain significance for Hereditary cancer-predisposing syndrome. Last evaluated: 2026-06-24. Review status: criteria provided, single submitter. Criteria: Ambry Variant Classification Scheme 2023. Collection method: clinical testing. Allele origin: germline.
Comment: The p.N124H variant (also known as c.370A>C), located in coding exon 1 of the CDKN1B gene, results from an A to C substitution at nucleotide position 370. The asparagine at codon 124 is replaced by histidine, an amino acid with similar properties. This amino acid position is conserved. In addition, this alteration is predicted to be tolerated by in silico analysis. Based on the available evidence, the clinical significance of this variant remains unclear.

Labcorp Genetics (formerly Invitae), Labcorp
Classification: Uncertain significance for Multiple endocrine neoplasia type 4. Last evaluated: 2020-02-28. Review status: criteria provided, single submitter. Criteria: Invitae Variant Classification Sherloc (09022015). Collection method: clinical testing. Allele origin: germline.
Comment: This sequence change replaces asparagine with histidine at codon 124 of the CDKN1B protein (p.Asn124His). The asparagine residue is highly conserved and there is a small physicochemical difference between asparagine and histidine. This variant is not present in population databases (ExAC no frequency). This variant has not been reported in the literature in individuals with CDKN1B-related conditions. Algorithms developed to predict the effect of missense changes on protein structure and function (SIFT, PolyPhen-2, Align-GVGD) all suggest that this variant is likely to be tolerated, but these predictions have not been confirmed by published functional studies and their clinical significance is uncertain. In summary, the available evidence is currently insufficient to determine the role of this variant in disease. Therefore, it has been classified as a Variant of Uncertain Significance.